The following is an entry in ClinVar:

ClinVar aggregate classification (germline): Uncertain significance (1 of 4 stars; one submission).

gnomAD v4.1: 1 of 1,611,104 alleles (0.000062%); highest among the groups gnomAD compares: African/African-American, 0.0013%; no homozygotes.

Submission:

Labcorp Genetics (formerly Invitae), Labcorp
Classification: Uncertain significance. Last evaluated: 2022-10-13. Review status: criteria provided, single submitter. Criteria: Invitae Variant Classification Sherloc (09022015). Collection method: clinical testing. Allele origin: germline.
Comment: In summary, the available evidence is currently insufficient to determine the role of this variant in disease. Therefore, it has been classified as a Variant of Uncertain Significance. Advanced modeling of protein sequence and biophysical properties (such as structural, functional, and spatial information, amino acid conservation, physicochemical variation, residue mobility, and thermodynamic stability) performed at Invitae indicates that this missense variant is not expected to disrupt GATAD2B protein function. This variant has not been reported in the literature in individuals affected with GATAD2B-related conditions. This variant is not present in population databases (gnomAD no frequency). This sequence change replaces valine, which is neutral and non-polar, with leucine, which is neutral and non-polar, at codon 541 of the GATAD2B protein (p.Val541Leu).

NM_020699.4(GATAD2B):c.1621G>C (p.Val541Leu)

Gene: GATAD2B (GATA zinc finger domain containing 2B; minus strand). Cytogenetic location: 1q21.3.
Variant type: single nucleotide variant.
Coding change: c.1621G>C on transcript NM_020699.4 (MANE Select); coding-DNA position 1621, G replaced by C.
Protein change: p.Val541Leu; replaces valine 541 with leucine.
Molecular consequence: missense variant.
Genome position (GRCh38, 1-based): chr1:153,811,758, C>G on the plus strand (G>C on the coding strand, the complement: GATAD2B is on the minus strand). VCF-style: chr1-153811758-C-G. GRCh37 (hg19) VCF-style: chr1-153784234-C-G.
Other names: short protein forms V541L.
Identifiers: ClinVar variation 1721535 (VCV001721535.5), dbSNP rs1324892287, ClinGen allele CA342580727.
Genomic context (GRCh38, chr1:153,811,758, plus strand): 5'-CATGAGAAACATTTTCAGATTAATCCTTCTTACCTGGCATACCAAGGAGGCCACCTGGCA[C>G]AGACAACTGGGGTGCCTGTGCAAAGTTTGAAAGCATGGAGCGGGCAGATGTGGGTATGCC-3'
Protein context (NP_065750.1, residues 531-551): SNFAQAPQLS[Val541Leu]PGGLLGMPGV